The following is an entry in ClinVar:

ClinVar aggregate classification (germline): Likely benign (1 of 4 stars; one submission).

Allele frequency attached by ClinVar (database versions not stated): gnomAD 0.00034; TOPMed 0.00036; ExAC 0.00039.
gnomAD v4.1: 560 of 1,584,928 alleles (0.035%); highest among the groups gnomAD compares: Admixed American, 0.046%; no homozygotes.

Submission:

CeGaT Center for Human Genetics Tuebingen
Classification: Likely benign. Last evaluated: 2022-07-01. Review status: criteria provided, single submitter. Criteria: CeGaT Center For Human Genetics Tuebingen Variant Classification Criteria Version 2. Collection method: clinical testing. Allele origin: germline. Affected: yes. Observed: 1 variant allele.
Comment: CLUH: BP4

NM_001366661.1(CLUH):c.1267-7C>T

Gene: CLUH (CLUH binding protein of NUMT mRNA; minus strand). Cytogenetic location: 17p13.3.
Variant type: single nucleotide variant.
Coding change: c.1267-7C>T on transcript NM_001366661.1 (MANE Select); 7 bases into the intron before coding-DNA position 1267, C replaced by T.
Molecular consequence: intron variant.
Genome position (GRCh38, 1-based): chr17:2,698,597, G>A on the plus strand (C>T on the coding strand, the complement: CLUH is on the minus strand). VCF-style: chr17-2698597-G-A. GRCh37 (hg19) VCF-style: chr17-2601891-G-A.
Other names: c.1153-7C>T (NM_001366662.1); c.1267-7C>T (NM_015229.4).
Identifiers: ClinVar variation 2647226 (VCV002647226.24), dbSNP rs758813620, ClinGen allele CA8284612.